The following is an entry in ClinVar:

ClinVar aggregate classification (germline): Uncertain significance. Review status: criteria provided, single submitter (1 of 4 stars). 2 submissions from 2 submitters: Uncertain significance (1). 1 of the submissions does not count toward it. Last evaluated 2021-10-18.

Conditions:
Familial long QT syndrome (RWS). Also called: Congenital long QT syndrome; Romano-Ward syndrome; VENTRICULAR FIBRILLATION WITH PROLONGED QT INTERVAL. Identifiers: Orphanet 768, MedGen C1141890, MONDO:0019171.
Long QT syndrome (LQTS). Identifiers: MedGen C0023976, MeSH D008133, MONDO:0002442. Disease mechanism: loss of function. Inheritance: Various modes of inheritance.

Submissions (2):

Labcorp Genetics (formerly Invitae), Labcorp
Classification: Uncertain significance for Long QT syndrome. Last evaluated: 2021-10-18. Review status: criteria provided, single submitter. Criteria: Invitae Variant Classification Sherloc (09022015). Collection method: clinical testing. Allele origin: germline.
Comment: In summary, the available evidence is currently insufficient to determine the role of this variant in disease. Therefore, it has been classified as a Variant of Uncertain Significance. Algorithms developed to predict the effect of missense changes on protein structure and function are either unavailable or do not agree on the potential impact of this missense change (SIFT: "Deleterious"; PolyPhen-2: "Possibly Damaging"; Align-GVGD: "Class C0"). ClinVar contains an entry for this variant (Variation ID: 67464). This missense change has been observed in individual(s) with clinical features of long QT syndrome (PMID: 19716085). This variant is not present in population databases (ExAC no frequency). This sequence change replaces aspartic acid with alanine at codon 102 of the KCNH2 protein (p.Asp102Ala). The aspartic acid residue is weakly conserved and there is a moderate physicochemical difference between aspartic acid and alanine.

Cardiovascular Biomedical Research Unit, Royal Brompton & Harefield NHS Foundation Trust
No classification provided. Condition: Familial long QT syndrome. Review status: no classification provided. Collection method: literature only. Allele origin: germline. Not counted in ClinVar's aggregate classification.
Comment: This variant has been reported as associated with Long QT syndrome in the following publications (PMID:19716085). This is a literature report, and does not necessarily reflect the clinical interpretation of the Imperial College / Royal Brompton Cardiovascular Genetics laboratory.

Literature cited by the submitters: PubMed 19716085 (cited by Labcorp Genetics (formerly Invitae), Labcorp and Cardiovascular Biomedical Research Unit, Royal Brompton & Harefield NHS Foundation Trust); PubMed 22581653 (cited by Cardiovascular Biomedical Research Unit, Royal Brompton & Harefield NHS Foundation Trust).

NM_000238.4(KCNH2):c.305A>C (p.Asp102Ala)

Gene: KCNH2 (potassium voltage-gated channel subfamily H member 2; minus strand). Cytogenetic location: 7q36.1.
Variant type: single nucleotide variant.
Coding change: c.305A>C on transcript NM_000238.4 (MANE Select); coding-DNA position 305, A replaced by C.
Protein change: p.Asp102Ala; replaces aspartic acid 102 with alanine.
Molecular consequence: missense variant.
Genome position (GRCh38, 1-based): chr7:150,974,713, T>G on the plus strand (A>C on the coding strand, the complement: KCNH2 is on the minus strand). VCF-style: chr7-150974713-T-G. GRCh37 (hg19) VCF-style: chr7-150671801-T-G.
Other names: c.305A>C (LRG_288t1); c.128A>C, p.Asp43Ala (NM_001406755.1); c.305A>C, p.Asp102Ala (NM_172056.3); short protein forms D102A, D43A.
Identifiers: ClinVar variation 67464 (VCV000067464.7), dbSNP rs199472857, ClinGen allele CA007867.